The following is an entry in ClinVar:

NM_000038.6(APC):c.2626C>A (p.Arg876=)

Gene: APC (APC regulator of Wnt signaling pathway; plus strand). Cytogenetic location: 5q22.2.
Variant type: single nucleotide variant.
Coding change: c.2626C>A on transcript NM_000038.6 (MANE Select); coding-DNA position 2626, C replaced by A.
Protein change: p.Arg876=; no amino-acid change (arginine 876 retained).
Molecular consequence: synonymous variant.
Genome position (GRCh38, 1-based): chr5:112,838,220, C>A. VCF-style: chr5-112838220-C-A. GRCh37 (hg19) VCF-style: chr5-112173917-C-A.
Other names: c.2626C>A, p.Arg876= (NM_001127510.3, NM_001354895.2); c.2572C>A, p.Arg858= (NM_001127511.3); c.2680C>A, p.Arg894= (NM_001354896.2); c.2656C>A, p.Arg886= (NM_001354897.2); c.2551C>A, p.Arg851= (NM_001354898.2); c.2542C>A, p.Arg848= (NM_001354899.2); c.2503C>A, p.Arg835= (NM_001354900.2); c.2449C>A, p.Arg817= (NM_001354901.2); and 5 more.
Identifiers: ClinVar variation 469763 (VCV000469763.20), dbSNP rs121913333, ClinGen allele CA445962964.

ClinVar aggregate classification (germline): Benign/Likely benign. Review status: criteria provided, multiple submitters, no conflicts (2 of 4 stars). 5 submissions from 5 submitters: Benign (1); Likely benign (4). Last evaluated 2025-12-02.

Conditions:
Hereditary cancer-predisposing syndrome. Also called: Hereditary neoplastic syndrome; Neoplastic Syndromes, Hereditary; Tumor predisposition; Hereditary Cancer Syndrome. Identifiers: Orphanet 140162, MedGen C0027672, MeSH D009386, MONDO:0015356.
Familial adenomatous polyposis 1 (FAP1). Also called: POLYPOSIS, ADENOMATOUS INTESTINAL; FAMILIAL ADENOMATOUS POLYPOSIS 1, ATTENUATED. Identifiers: MedGen C2713442, MONDO:0021056, OMIM 175100. Disease mechanism: loss of function.
Classic or attenuated familial adenomatous polyposis. Identifiers: MedGen CN372698, MONDO:0021057.

Allele frequency attached by ClinVar (database versions not stated): gnomAD exomes 0.00001.
gnomAD v4.1: 5 of 1,614,042 alleles (0.00031%); highest among the groups gnomAD compares: Non-Finnish European, 0.00042%; no homozygotes.

Submissions (5):

Labcorp Genetics (formerly Invitae), Labcorp
Classification: Likely benign for Familial adenomatous polyposis 1. Last evaluated: 2025-12-02. Review status: criteria provided, single submitter. Criteria: Invitae Variant Classification Sherloc (09022015). Collection method: clinical testing. Allele origin: germline.

Myriad Genetics, Inc.
Classification: Benign for Familial adenomatous polyposis 1. Last evaluated: 2024-03-14. Review status: criteria provided, single submitter. Criteria: Myriad Autosomal Dominant, Autosomal Recessive and X-Linked Classification Criteria (2023). Collection method: clinical testing. Allele origin: unknown.
Comment: This variant is considered benign. This variant is a silent/synonymous amino acid change and it is not expected to impact splicing.

All of Us Research Program, National Institutes of Health
Classification: Likely benign for Classic or attenuated familial adenomatous polyposis. Last evaluated: 2023-09-04. Review status: criteria provided, single submitter. Criteria: ACMG Guidelines, 2015. Collection method: clinical testing. Allele origin: germline. Inheritance: Autosomal dominant inheritance. Observed: 3 variant alleles, 3 heterozygotes.
Comment: This study involves interpretation of variants in research participants for the purpose of population health screening. Participant phenotype was not available at the time of variant classification. Additional details can be found in publication PMID: 35346344, PMCID: PMC8962531

Color Diagnostics, LLC DBA Color Health
Classification: Likely benign for Hereditary cancer-predisposing syndrome. Last evaluated: 2021-06-08. Review status: criteria provided, single submitter. Criteria: ACMG Guidelines, 2015. Collection method: clinical testing. Allele origin: germline.

Ambry Genetics
Classification: Likely benign for Hereditary cancer-predisposing syndrome. Last evaluated: 2015-06-12. Review status: criteria provided, single submitter. Criteria: Ambry Variant Classification Scheme 2023. Collection method: clinical testing. Allele origin: germline.